The following is an entry in ClinVar:

NM_024649.5(BBS1):c.47+8C>T

Gene: BBS1 (Bardet-Biedl syndrome 1; plus strand). Cytogenetic location: 11q13.2.
Variant type: single nucleotide variant.
Coding change: c.47+8C>T on transcript NM_024649.5 (MANE Select); 8 bases into the intron after coding-DNA position 47, C replaced by T.
Molecular consequence: intron variant.
Genome position (GRCh38, 1-based): chr11:66,510,714, C>T. VCF-style: chr11-66510714-C-T. GRCh37 (hg19) VCF-style: chr11-66278185-C-T.
Identifiers: ClinVar variation 2691644 (VCV002691644.1), dbSNP rs2495726392, ClinGen allele CA2574887136.

ClinVar aggregate classification (germline): Uncertain significance (1 of 4 stars; one submission).

Submission:

Women's Health and Genetics/Laboratory Corporation of America, LabCorp
Classification: Uncertain significance. Last evaluated: 2023-12-12. Review status: criteria provided, single submitter. Criteria: LabCorp Variant Classification Summary - May 2015. Collection method: clinical testing. Allele origin: germline.
Comment: Variant summary: BBS1 c.47+8C>T alters a non-conserved nucleotide located close to a canonical splice site and therefore could affect mRNA splicing, leading to a significantly altered protein sequence. Consensus agreement among computation tools predict no significant impact on normal splicing. However, these predictions have yet to be confirmed by functional studies. The variant was absent in 250488 control chromosomes (gnomAD). The available data on variant occurrences in the general population are insufficient to allow any conclusion about variant significance. c.47+8C>T has been reported in the literature in an individual affected with Bardet-Biedl syndrome related renal disease (example: Forsythe_2017). These data do not allow any conclusion about variant significance. To our knowledge, no experimental evidence demonstrating an impact on protein function has been reported. The following publication has been ascertained in the context of this evaluation (PMID: 27659767). No submitters have cited clinical-significance assessments for this variant to ClinVar after 2014. Based on the evidence outlined above, the variant was classified as uncertain significance.

Literature cited by the submitters: PubMed 27659767.